The following is an entry in ClinVar:

NM_020632.3(ATP6V0A4):c.1385C>T (p.Thr462Met)

Gene: ATP6V0A4 (ATPase H+ transporting V0 subunit a4; minus strand). Cytogenetic location: 7q34.
Variant type: single nucleotide variant.
Coding change: c.1385C>T on transcript NM_020632.3 (MANE Select); coding-DNA position 1385, C replaced by T.
Protein change: p.Thr462Met; replaces threonine 462 with methionine.
Molecular consequence: missense variant.
Genome position (GRCh38, 1-based): chr7:138,745,216, G>A on the plus strand (C>T on the coding strand, the complement: ATP6V0A4 is on the minus strand). VCF-style: chr7-138745216-G-A. GRCh37 (hg19) VCF-style: chr7-138429961-G-A.
Other names: c.1385C>T, p.Thr462Met (NM_130840.3, NM_130841.3); short protein forms T462M.
Identifiers: ClinVar variation 359017 (VCV000359017.16), dbSNP rs368301208, ClinGen allele CA4504785.

ClinVar aggregate classification (germline): Uncertain significance. Review status: criteria provided, multiple submitters, no conflicts (2 of 4 stars). 4 submissions from 4 submitters: Uncertain significance (4). Last evaluated 2025-08-21.

Conditions:
Autosomal recessive distal renal tubular acidosis. Identifiers: Orphanet 402041, MedGen C1864498, MONDO:0018440.
Inborn genetic diseases. Identifiers: MedGen C0950123, MeSH D030342.
Renal tubular acidosis, distal, 3, with or without sensorineural hearing loss (DRTA3). Identifiers: MedGen C5399980, MONDO:0011268, OMIM 602722.

Allele frequency attached by ClinVar (database versions not stated): gnomAD 0.00006 and 0.00007; TOPMed 0.00008; 1000 Genomes Project 30x 0.00016; 1000 Genomes Project 0.00020.
gnomAD v4.1: 27 of 1,614,164 alleles (0.0017%); highest among the groups gnomAD compares: African/African-American, 0.015%; no homozygotes.

Submissions (4):

Ambry Genetics
Classification: Uncertain significance for Inborn genetic diseases. Last evaluated: 2025-08-21. Review status: criteria provided, single submitter. Criteria: Ambry Variant Classification Scheme 2023. Collection method: clinical testing. Allele origin: germline.

Fulgent Genetics
Classification: Uncertain significance for Renal tubular acidosis, distal, 3, with or without sensorineural hearing loss. Last evaluated: 2024-03-11. Review status: criteria provided, single submitter. Criteria: ACMG Guidelines, 2015. Collection method: clinical testing. Allele origin: germline.

Labcorp Genetics (formerly Invitae), Labcorp
Classification: Uncertain significance. Last evaluated: 2020-01-01. Review status: criteria provided, single submitter. Criteria: Invitae Variant Classification Sherloc (09022015). Collection method: clinical testing. Allele origin: germline.
Comment: This variant has not been reported in the literature in individuals with ATP6V0A4-related disease. ClinVar contains an entry for this variant (Variation ID: 359017). In summary, the available evidence is currently insufficient to determine the role of this variant in disease. Therefore, it has been classified as a Variant of Uncertain Significance. Algorithms developed to predict the effect of missense changes on protein structure and function do not agree on the potential impact of this missense change (SIFT: "Deleterious"; PolyPhen-2: "Probably Damaging"; Align-GVGD: "Class C0"). This variant is present in population databases (rs368301208, ExAC 0.02%). This sequence change replaces threonine with methionine at codon 462 of the ATP6V0A4 protein (p.Thr462Met). The threonine residue is highly conserved and there is a moderate physicochemical difference between threonine and methionine.

Illumina Laboratory Services, Illumina
Classification: Uncertain significance for Renal tubular acidosis, distal, 3, with or without sensorineural hearing loss. Last evaluated: 2018-01-12. Review status: criteria provided, single submitter. Criteria: ICSL Variant Classification Criteria 13 December 2019. Collection method: clinical testing. Allele origin: germline.